The following is an entry in ClinVar:

ClinVar aggregate classification (germline): Uncertain significance (1 of 4 stars; one submission).

Submission:

Ambry Genetics
Classification: Uncertain significance. Last evaluated: 2024-11-05. Review status: criteria provided, single submitter. Criteria: Ambry Variant Classification Scheme 2023. Collection method: clinical testing. Allele origin: germline.
Comment: The p.N763D variant (also known as c.2287A>G), located in coding exon 19 of the BUB1 gene, results from an A to G substitution at nucleotide position 2287. The asparagine at codon 763 is replaced by aspartic acid, an amino acid with highly similar properties. This amino acid position is conserved. In addition, this alteration is predicted to be tolerated by in silico analysis. Based on the available evidence, the clinical significance of this variant remains unclear.

NM_004336.5(BUB1):c.2287A>G (p.Asn763Asp)

Gene: BUB1 (BUB1 mitotic checkpoint serine/threonine kinase; minus strand). Cytogenetic location: 2q13.
Variant type: single nucleotide variant.
Coding change: c.2287A>G on transcript NM_004336.5 (MANE Select); coding-DNA position 2287, A replaced by G.
Protein change: p.Asn763Asp; replaces asparagine 763 with aspartic acid.
Molecular consequence: missense variant.
Genome position (GRCh38, 1-based): chr2:110,649,294, T>C on the plus strand (A>G on the coding strand, the complement: BUB1 is on the minus strand). VCF-style: chr2-110649294-T-C. GRCh37 (hg19) VCF-style: chr2-111406871-T-C.
Other names: c.2227A>G, p.Asn743Asp (NM_001278616.2); c.2287A>G, p.Asn763Asp (NM_001278617.2); short protein forms N743D, N763D.
Identifiers: ClinVar variation 3482977 (VCV003482977.1).
Genomic context (GRCh38, chr2:110,649,294, plus strand): 5'-CCAATTGAAATTCAGTCTTGGGCTTGATGGCTGGAAGTTTACATTGCCATTCAAAAGTAT[T>C]TGGATAGGAACTCACTGGTTTAGAAAGCCCAGATAAAAGTTTGAAAATCAGCTTATCATC-3'
Protein context (NP_004327.1, residues 753-773): GLSKPVSSYP[Asn763Asp]TFEWQCKLPA